The following is an entry in ClinVar:

ClinVar aggregate classification (germline): Pathogenic. Review status: criteria provided, multiple submitters, no conflicts (2 of 4 stars). 2 submissions from 2 submitters: Pathogenic (2). Last evaluated 2023-09-25.

Conditions:
Lynch syndrome 5 (LYNCH5). Also called: Hereditary non-polyposis colorectal cancer, type 5; Colorectal cancer, hereditary nonpolyposis, type 5. Identifiers: Orphanet 144, MedGen C1833477, MONDO:0013710, OMIM 614350. Disease mechanism: loss of function.
Hereditary nonpolyposis colorectal neoplasms. Identifiers: MedGen C0009405, MeSH D003123.

Submissions (2):

Myriad Genetics, Inc.
Classification: Pathogenic for Lynch syndrome 5. Last evaluated: 2023-09-25. Review status: criteria provided, single submitter. Criteria: Myriad Autosomal Dominant, Autosomal Recessive and X-Linked Classification Criteria (2023). Collection method: clinical testing. Allele origin: unknown.
Comment: This variant is considered pathogenic. This variant creates a termination codon and is predicted to result in premature protein truncation.

Labcorp Genetics (formerly Invitae), Labcorp
Classification: Pathogenic for Hereditary nonpolyposis colorectal neoplasms. Last evaluated: 2023-02-27. Review status: criteria provided, single submitter. Criteria: Invitae Variant Classification Sherloc (09022015). Collection method: clinical testing. Allele origin: germline.
Comment: This variant has not been reported in the literature in individuals affected with MSH6-related conditions. For these reasons, this variant has been classified as Pathogenic. This variant is not present in population databases (gnomAD no frequency). This sequence change creates a premature translational stop signal (p.Ile944*) in the MSH6 gene. It is expected to result in an absent or disrupted protein product. Loss-of-function variants in MSH6 are known to be pathogenic (PMID: 18269114, 24362816).

Literature cited by the submitters: PubMed 18269114 (cited by Labcorp Genetics (formerly Invitae), Labcorp); PubMed 24362816 (cited by Labcorp Genetics (formerly Invitae), Labcorp).

NM_000179.3(MSH6):c.2830del (p.Asp943_Ile944insTer)

Gene: MSH6 (mutS homolog 6; plus strand). Cytogenetic location: 2p16.3.
Variant type: Deletion.
Coding change: c.2830del on transcript NM_000179.3 (MANE Select); coding-DNA position 2830, one base deleted (A; older notation c.2830delA).
Protein change: p.Asp943_Ile944insTer.
Molecular consequence: nonsense. On other transcripts: non-coding transcript variant (5), intron variant (2).
Genome position (GRCh38, 1-based): chr2:47,800,813, A deleted. VCF-style (leftmost placement, unchanged base first): chr2-47800812-CA-C. GRCh37 (hg19) VCF-style: chr2-48027951-CA-C.
Other names: c.2305del, p.Asp768_Ile769insTer (NM_001406806.1, NM_001406807.1, NM_001406799.1); c.2830del, p.Asp943_Ile944insTer (NM_001406808.1, NM_001406809.1, NM_001406796.1 and 2 more transcripts); c.1924del, p.Asp641_Ile642insTer (NM_001406811.1, NM_001406812.1, NM_001406814.1 and 6 more transcripts); c.2836del, p.Asp945_Ile946insTer (NM_001406813.1); c.2533del, p.Asp844_Ile845insTer (NM_001406818.1, NM_001406819.1, NM_001406820.1 and 10 more transcripts); c.2440del, p.Asp813_Ile814insTer (NM_001281492.2); c.2926del, p.Asp975_Ile976insTer (NM_001406795.1, NM_001406802.1); c.2752del, p.Asp917_Ile918insTer (NM_001406804.1); and 4 more.
Identifiers: ClinVar variation 2673773 (VCV002673773.4), dbSNP rs2530695900, ClinGen allele CA2695200585.
Genomic context (GRCh38, chr2:47,800,812, plus strand): 5'-GACTGGACTTATTACTCCCAAAGCAGGCTTTGACTCTGATTATGACCAAGCTCTTGCTGA[CA>C]TAAGAGAAAATGAACAGAGCCTCCTGGAATACCTAGAGAAACAGCGCAACAGAATTGGCT-3'